The following is an entry in ClinVar:

ClinVar aggregate classification (germline): Uncertain significance (1 of 4 stars; one submission).

Submission:

Labcorp Genetics (formerly Invitae), Labcorp
Classification: Uncertain significance. Last evaluated: 2023-07-12. Review status: criteria provided, single submitter. Criteria: Invitae Variant Classification Sherloc (09022015). Collection method: clinical testing. Allele origin: germline.
Comment: ClinVar contains an entry for this variant (Variation ID: 2105988). In summary, the available evidence is currently insufficient to determine the role of this variant in disease. Therefore, it has been classified as a Variant of Uncertain Significance. Experimental studies and prediction algorithms are not available or were not evaluated, and the functional significance of this variant is currently unknown. This variant, c.587_595del, results in the deletion of 3 amino acid(s) of the SMAD2 protein (p.Tyr196_His198del), but otherwise preserves the integrity of the reading frame. This variant is not present in population databases (gnomAD no frequency). This variant has not been reported in the literature in individuals affected with SMAD2-related conditions.

NM_005901.6(SMAD2):c.587_595del (p.Tyr196_His198del)

Gene: SMAD2 (SMAD family member 2; minus strand). Cytogenetic location: 18q21.1.
Variant type: Deletion.
Coding change: c.587_595del on transcript NM_005901.6 (MANE Select); coding-DNA positions 587 to 595, 9 bases deleted (ATACTCACT; older notation c.587_595delATACTCACT).
Protein change: p.Tyr196_His198del.
Molecular consequence: inframe deletion.
Genome position (GRCh38, 1-based): chr18:47,868,383-47,868,391, AGTGAGTAT deleted on the plus strand (ATACTCACT on the coding strand, the reverse complement: SMAD2 is on the minus strand); deleting any 9 consecutive bases within chr18:47,868,383-47,868,394 gives the same sequence; the c. name uses the placement nearest the transcript's 3' end. VCF-style (leftmost placement, unchanged base first): chr18-47868382-GAGTGAGTAT-G. GRCh37 (hg19) VCF-style: chr18-45394753-GAGTGAGTAT-G.
Other names: c.587_595del, p.Tyr196_His198del (NM_001003652.4); c.497_505del, p.Tyr166_His168del (NM_001135937.3).
Identifiers: ClinVar variation 2105988 (VCV002105988.4), dbSNP rs2511349444, ClinGen allele CA2580095772.